The following is an entry in ClinVar:

NM_206926.2(SELENON):c.1393C>G (p.Leu465Val)

Gene: SELENON (selenoprotein N; plus strand). Cytogenetic location: 1p36.11.
Variant type: single nucleotide variant.
Coding change: c.1393C>G on transcript NM_206926.2 (MANE Select); coding-DNA position 1393, C replaced by G.
Protein change: p.Leu465Val; replaces leucine 465 with valine.
Molecular consequence: missense variant.
Genome position (GRCh38, 1-based): chr1:25,813,988, C>G. VCF-style: chr1-25813988-C-G. GRCh37 (hg19) VCF-style: chr1-26140479-C-G.
Other names: c.1495C>G, p.Leu499Val (NM_020451.3); short protein forms L499V, L465V.
Identifiers: ClinVar variation 1417017 (VCV001417017.8), dbSNP rs760671117, ClinGen allele CA696886.
Genomic context (GRCh38, chr1:25,813,988, plus strand): 5'-CTCACCCTGCTCAACGAGAGCTTCATCAGCACCTGGTCCCTGGTGAAGGAGCTGGAGGAA[C>G]TGCAGGTGAGCGGGCAGGTGGCAGGAACAGGAGCGTCCGGAACAGTGGTGGGGGCCGCGG-3'
Protein context (NP_996809.1, residues 455-475): TWSLVKELEE[Leu465Val]QNNQENSSHQ

ClinVar aggregate classification (germline): Uncertain significance (1 of 4 stars; one submission).

Conditions:
Eichsfeld type congenital muscular dystrophy (CMYO3). Also called: MYOPATHY, SEPN1-RELATED; SELENON-related myopathy; Congenital myopathy 3 with rigid spine; Rigid spine muscular dystrophy 1. Identifiers: MedGen C0410180, MONDO:0100100, OMIM 602771.

Allele frequency attached by ClinVar (database versions not stated): gnomAD 0.00001; ExAC 0.00001; 1000 Genomes Project 30x 0.00016; gnomAD exomes 0.00001.
gnomAD v4.1: 4 of 1,614,012 alleles (0.00025%); highest among the groups gnomAD compares: East Asian, 0.0089%; no homozygotes.

Submission:

Labcorp Genetics (formerly Invitae), Labcorp
Classification: Uncertain significance for Eichsfeld type congenital muscular dystrophy. Last evaluated: 2022-02-24. Review status: criteria provided, single submitter. Criteria: Invitae Variant Classification Sherloc (09022015). Collection method: clinical testing. Allele origin: germline.
Comment: In summary, the available evidence is currently insufficient to determine the role of this variant in disease. Therefore, it has been classified as a Variant of Uncertain Significance. Algorithms developed to predict the effect of missense changes on protein structure and function are either unavailable or do not agree on the potential impact of this missense change (SIFT: "Deleterious"; PolyPhen-2: "Possibly Damaging"; Align-GVGD: "Class C0"). This variant has not been reported in the literature in individuals affected with SELENON-related conditions. This variant is present in population databases (rs760671117, gnomAD 0.01%). This sequence change replaces leucine, which is neutral and non-polar, with valine, which is neutral and non-polar, at codon 499 of the SELENON protein (p.Leu499Val).